The following is an entry in ClinVar:

NM_014866.2(SEC16A):c.2660G>A (p.Gly887Glu)

Gene: SEC16A (SEC16 homolog A, endoplasmic reticulum export factor; minus strand). Cytogenetic location: 9q34.3.
Variant type: single nucleotide variant.
Coding change: c.2660G>A on transcript NM_014866.2 (MANE Select); coding-DNA position 2660, G replaced by A.
Protein change: p.Gly887Glu; replaces glycine 887 with glutamic acid.
Molecular consequence: missense variant.
Genome position (GRCh38, 1-based): chr9:136,474,956, C>T on the plus strand (G>A on the coding strand, the complement: SEC16A is on the minus strand). VCF-style: chr9-136474956-C-T. GRCh37 (hg19) VCF-style: chr9-139369408-C-T.
Other names: c.2660G>A, p.Gly887Glu (NM_001276418.2); short protein forms G887E.
Identifiers: ClinVar variation 2673205 (VCV002673205.23), dbSNP rs200238338, ClinGen allele CA5338847.
Genomic context (GRCh38, chr9:136,474,956, plus strand): 5'-AAATTACTTTGGGCAACACTGCTAGGCAGAGACAAGCTAAGGACAGAGCTGGTTGGAATC[C>T]CAGACAAAGAAGTGTTCTCCCCAGAATCACCACCGAGAGCCCAACTGCTGACTGCAGGTC-3'
Protein context (NP_055681.1, residues 877-897): GDSGENTSLS[Gly887Glu]IPTSSVLSLS

ClinVar aggregate classification (germline): Likely benign (1 of 4 stars; one submission).

Allele frequency attached by ClinVar (database versions not stated): ESP Exome Variant Server 0.00065; gnomAD exomes 0.00068; gnomAD 0.00079; TOPMed 0.00092; ExAC 0.00108.
gnomAD v4.1: 1,185 of 1,613,588 alleles (0.073%); highest among the groups gnomAD compares: Admixed American, 0.21%; 10 homozygotes.

Submission:

CeGaT Center for Human Genetics Tuebingen
Classification: Likely benign. Last evaluated: 2023-11-01. Review status: criteria provided, single submitter. Criteria: CeGaT Center For Human Genetics Tuebingen Variant Classification Criteria Version 2. Collection method: clinical testing. Allele origin: germline. Affected: yes. Observed: 2 variant alleles.
Comment: SEC16A: BP4, BS2